The following is an entry in ClinVar:

NM_012199.5(AGO1):c.2276G>A (p.Arg759Gln)

Gene: AGO1 (argonaute RISC component 1; plus strand). Cytogenetic location: 1p34.3.
Variant type: single nucleotide variant.
Coding change: c.2276G>A on transcript NM_012199.5 (MANE Select); coding-DNA position 2276, G replaced by A.
Protein change: p.Arg759Gln; replaces arginine 759 with glutamine.
Molecular consequence: missense variant.
Genome position (GRCh38, 1-based): chr1:35,919,065, G>A. VCF-style: chr1-35919065-G-A. GRCh37 (hg19) VCF-style: chr1-36384666-G-A.
Other names: c.2276G>A, p.Arg759Gln (NM_001317122.2); c.2051G>A, p.Arg684Gln (NM_001317123.2); c.2276G>A (NM_012199.4); short protein forms R684Q, R759Q.
Identifiers: ClinVar variation 3777127 (VCV003777127.1).
Genomic context (GRCh38, chr1:35,919,065, plus strand): 5'-AGCCATCTTCTCTGCCCAGCCTGGGACCCCTCACCTTCCTATCTTCCCAGGGCACCAGCC[G>A]ACCATCCCATTACTATGTTCTTTGGGATGACAACCGTTTCACAGCAGATGAGCTCCAGAT-3'
Protein context (NP_036331.1, residues 749-769): CSHAGIQGTS[Arg759Gln]PSHYYVLWDD

ClinVar aggregate classification (germline): Uncertain significance (1 of 4 stars; one submission).

Conditions:
Neurodevelopmental disorder with language delay and behavioral abnormalities, with or without seizures (NEDLBAS). Identifiers: MedGen C5830365, MONDO:0859531, OMIM 620292.

Submission:

University of Washington Department of Laboratory Medicine, University of Washington
Classification: Uncertain significance for Neurodevelopmental disorder with language delay and behavioral abnormalities, with or without seizures. Last evaluated: 2023-03-28. Review status: criteria provided, single submitter. Criteria: ACMG Guidelines, 2015. Collection method: clinical testing. Allele origin: maternal. Affected: yes.
Comment: The p.Arg759Gln variant in the AGO1 gene has not been previously reported in association with disease. This variant was absent from large population databases, including the Genome Aggregation Database. The AGO1 gene has fewer missense variants in the general population than expected. A low rate of missense variation may suggest that this gene is intolerant to missense variation. In silico tools predict that the p.Arg759Gln variant is deleterious; however, these predictions have not been tested directly. Using ACMG guidelines, this variant was classified as a variant of uncertain significance (ACMG evidence codes used: PM2_supporting, PP2, PP3).